The following is an entry in ClinVar:

NM_004369.4(COL6A3):c.5395G>A (p.Val1799Met)

Gene: COL6A3 (collagen type VI alpha 3 chain; minus strand). Cytogenetic location: 2q37.3.
Variant type: single nucleotide variant.
Coding change: c.5395G>A on transcript NM_004369.4 (MANE Select); coding-DNA position 5395, G replaced by A.
Protein change: p.Val1799Met; replaces valine 1799 with methionine.
Molecular consequence: missense variant.
Genome position (GRCh38, 1-based): chr2:237,366,792, C>T on the plus strand (G>A on the coding strand, the complement: COL6A3 is on the minus strand). VCF-style: chr2-237366792-C-T. GRCh37 (hg19) VCF-style: chr2-238275435-C-T.
Other names: c.3574G>A, p.Val1192Met (NM_057166.5); c.4777G>A, p.Val1593Met (NM_057167.4); short protein forms V1192M, V1593M, V1799M.
Identifiers: ClinVar variation 1308503 (VCV001308503.9), dbSNP rs768420468, ClinGen allele CA2188676.
Genomic context (GRCh38, chr2:237,366,792, plus strand): 5'-CATCATGCAAAGTTTCCAAAACTTGCTCGCTCAGTTCGGACAGCTCCTGGACGTTGCCCA[C>T]GCGGAACGCTGTGGCGCTGTTGGACGCTATCTTTCCAACCTCCTCCGAGTCGATATTCCT-3'
Protein context (NP_004360.2, residues 1789-1809): IASNSATAFR[Val1799Met]GNVQELSELS

ClinVar aggregate classification (germline): Conflicting classifications of pathogenicity. Review status: criteria provided, conflicting classifications (1 of 4 stars). 4 submissions from 4 submitters: Uncertain significance (3); Likely benign (1). Last evaluated 2025-01-29.

Conditions:
Bethlem myopathy 1A. Also called: Bethlem myopathy 1; MYOPATHY, BENIGN CONGENITAL, WITH CONTRACTURES; Bethlem Muscular Dystrophy. Identifiers: Orphanet 610, MedGen CN029274, MONDO:0024530, OMIM 158810.
Inborn genetic diseases. Identifiers: MedGen C0950123, MeSH D030342.

Allele frequency attached by ClinVar (database versions not stated): TOPMed below 0.00001; gnomAD exomes 0.00001 and 0.00002; ExAC 0.00002.
gnomAD v4.1: 11 of 1,614,272 alleles (0.00068%); highest among the groups gnomAD compares: South Asian, 0.0066%; no homozygotes.

Submissions (4):

Labcorp Genetics (formerly Invitae), Labcorp
Classification: Likely benign for Bethlem myopathy 1A. Last evaluated: 2025-01-29. Review status: criteria provided, single submitter. Criteria: Invitae Variant Classification Sherloc (09022015). Collection method: clinical testing. Allele origin: germline.

Ambry Genetics
Classification: Uncertain significance for Inborn genetic diseases. Last evaluated: 2024-05-14. Review status: criteria provided, single submitter. Criteria: Ambry Variant Classification Scheme 2023. Collection method: clinical testing. Allele origin: germline.

Revvity Omics, Revvity
Classification: Uncertain significance. Last evaluated: 2021-11-17. Review status: criteria provided, single submitter. Criteria: ACMG Guidelines, 2015. Collection method: clinical testing. Allele origin: germline.

GeneDx
Classification: Uncertain significance. Last evaluated: 2019-04-02. Review status: criteria provided, single submitter. Criteria: GeneDx Variant Classification Process June 2021. Collection method: clinical testing. Allele origin: germline. Affected: yes.
Comment: In silico analysis, which includes protein predictors and evolutionary conservation, supports that this variant does not alter protein structure/function; Has not been previously published as pathogenic or benign to our knowledge